The following is an entry in ClinVar:

ClinVar aggregate classification (germline): Uncertain significance (1 of 4 stars; one submission).

Allele frequency attached by ClinVar (database versions not stated): ExAC 0.00001; gnomAD exomes 0.00002; TOPMed 0.00002; gnomAD 0.00003.
gnomAD v4.1: 31 of 1,613,996 alleles (0.0019%); highest among the groups gnomAD compares: East Asian, 0.0045%; no homozygotes.

Submission:

Labcorp Genetics (formerly Invitae), Labcorp
Classification: Uncertain significance. Last evaluated: 2023-12-19. Review status: criteria provided, single submitter. Criteria: Invitae Variant Classification Sherloc (09022015). Collection method: clinical testing. Allele origin: germline.
Comment: This sequence change replaces methionine, which is neutral and non-polar, with valine, which is neutral and non-polar, at codon 211 of the TCF20 protein (p.Met211Val). This variant is present in population databases (rs774478762, gnomAD 0.005%). This variant has not been reported in the literature in individuals affected with TCF20-related conditions. An algorithm developed to predict the effect of missense changes on protein structure and function (PolyPhen-2) suggests that this variant is likely to be tolerated. In summary, the available evidence is currently insufficient to determine the role of this variant in disease. Therefore, it has been classified as a Variant of Uncertain Significance.

NM_001378418.1(TCF20):c.631A>G (p.Met211Val)

Gene: TCF20 (transcription factor 20; minus strand). Cytogenetic location: 22q13.2.
Variant type: single nucleotide variant.
Coding change: c.631A>G on transcript NM_001378418.1 (MANE Select); coding-DNA position 631, A replaced by G.
Protein change: p.Met211Val; replaces methionine 211 with valine.
Molecular consequence: missense variant.
Genome position (GRCh38, 1-based): chr22:42,214,675, T>C on the plus strand (A>G on the coding strand, the complement: TCF20 is on the minus strand). VCF-style: chr22-42214675-T-C. GRCh37 (hg19) VCF-style: chr22-42610681-T-C.
Other names: c.631A>G, p.Met211Val (NM_005650.4, NM_181492.3); short protein forms M211V.
Identifiers: ClinVar variation 2998402 (VCV002998402.3), dbSNP rs774478762, ClinGen allele CA10267324.
Genomic context (GRCh38, chr22:42,214,675, plus strand): 5'-ACTGACCCACTCTTAACTGGTAACCAGCAGCAGAGGATGGCAGAGTTGAGGGCCGCTGCA[T>C]TGGCTGTAGATGGGATGAGCTGGATGCTGGTTGGCCAGTGGCCTGTGGCAGGGGCTGATG-3'
Protein context (NP_001365347.1, residues 201-221): PASSSSHLQP[Met211Val]QRPSTLPSSA